The following is an entry in ClinVar:

NM_000257.4(MYH7):c.977C>G (p.Ala326Gly)

Gene: MYH7 (myosin heavy chain 7; minus strand). Cytogenetic location: 14q11.2.
Variant type: single nucleotide variant.
Coding change: c.977C>G on transcript NM_000257.4 (MANE Select); coding-DNA position 977, C replaced by G.
Protein change: p.Ala326Gly; replaces alanine 326 with glycine.
Molecular consequence: missense variant.
Genome position (GRCh38, 1-based): chr14:23,430,582, G>C on the plus strand (C>G on the coding strand, the complement: MYH7 is on the minus strand). VCF-style: chr14-23430582-G-C. GRCh37 (hg19) VCF-style: chr14-23899791-G-C.
Other names: c.977C>G, p.Ala326Gly (NM_001407004.1); short protein forms A326G.
Identifiers: ClinVar variation 2563042 (VCV002563042.4), dbSNP rs1892887971, ClinGen allele CA389051635.

ClinVar aggregate classification (germline): Uncertain significance. Review status: criteria provided, multiple submitters, no conflicts (2 of 4 stars). 2 submissions from 2 submitters: Uncertain significance (2). Last evaluated 2025-04-09.

Conditions:
Cardiovascular phenotype. Identifiers: MedGen CN230736.
Hypertrophic cardiomyopathy. Also called: HYPERTROPHIC MYOCARDIOPATHY. Identifiers: Orphanet 217569, MedGen C0007194, MeSH D002312, MONDO:0005045, HP:0001639.

Submissions (2):

Labcorp Genetics (formerly Invitae), Labcorp
Classification: Uncertain significance for Hypertrophic cardiomyopathy. Last evaluated: 2025-04-09. Review status: criteria provided, single submitter. Criteria: Invitae Variant Classification Sherloc (09022015). Collection method: clinical testing. Allele origin: germline.
Comment: This sequence change replaces alanine, which is neutral and non-polar, with glycine, which is neutral and non-polar, at codon 326 of the MYH7 protein (p.Ala326Gly). This variant is not present in population databases (gnomAD no frequency). This variant has not been reported in the literature in individuals affected with MYH7-related conditions. ClinVar contains an entry for this variant (Variation ID: 2563042). Invitae Evidence Modeling of protein sequence and biophysical properties (such as structural, functional, and spatial information, amino acid conservation, physicochemical variation, residue mobility, and thermodynamic stability) indicates that this missense variant is not expected to disrupt MYH7 protein function with a negative predictive value of 95%. Algorithms developed to predict the effect of sequence changes on RNA splicing suggest that this variant may create or strengthen a splice site. In summary, the available evidence is currently insufficient to determine the role of this variant in disease. Therefore, it has been classified as a Variant of Uncertain Significance.

Ambry Genetics
Classification: Uncertain significance for Cardiovascular phenotype. Last evaluated: 2023-03-24. Review status: criteria provided, single submitter. Criteria: Ambry Variant Classification Scheme 2023. Collection method: clinical testing. Allele origin: germline.
Comment: The p.A326G variant (also known as c.977C>G), located in coding exon 9 of the MYH7 gene, results from a C to G substitution at nucleotide position 977. The alanine at codon 326 is replaced by glycine, an amino acid with similar properties. This amino acid position is poorly conserved in available vertebrate species. In addition, this alteration is predicted to be tolerated by in silico analysis. Since supporting evidence is limited at this time, the clinical significance of this alteration remains unclear.